The following is an entry in ClinVar:

NM_001033855.3(DCLRE1C):c.774T>A (p.His258Gln)

Gene: DCLRE1C (DNA cross-link repair 1C; minus strand). Cytogenetic location: 10p13.
Variant type: single nucleotide variant.
Coding change: c.774T>A on transcript NM_001033855.3 (MANE Select); coding-DNA position 774, T replaced by A.
Protein change: p.His258Gln; replaces histidine 258 with glutamine.
Molecular consequence: missense variant. On other transcripts: non-coding transcript variant (4).
Genome position (GRCh38, 1-based): chr10:14,932,860, A>T on the plus strand (T>A on the coding strand, the complement: DCLRE1C is on the minus strand). VCF-style: chr10-14932860-A-T. GRCh37 (hg19) VCF-style: chr10-14974859-A-T.
Other names: c.414T>A, p.His138Gln (NM_001033857.3, NM_001033858.3, NM_001289077.2 and 2 more transcripts); c.429T>A, p.His143Gln (NM_001289076.2, NM_001289078.2, NM_001350966.2 and 1 more transcripts); c.774T>A, p.His258Gln (NM_001350965.2); short protein forms H143Q, H258Q, H138Q.
Identifiers: ClinVar variation 1439814 (VCV001439814.5), dbSNP rs2130916220, ClinGen allele CA376058322.

ClinVar aggregate classification (germline): Uncertain significance (1 of 4 stars; one submission).

Conditions:
Severe combined immunodeficiency due to DCLRE1C deficiency (RS-SCID). Also called: SCID, AUTOSOMAL RECESSIVE, T CELL-NEGATIVE, B CELL-NEGATIVE, NK CELL-POSITIVE, WITH SENSITIVITY TO IONIZING RADIATION. Identifiers: Orphanet 275, MedGen C1865371, MONDO:0011225, OMIM 602450.

Submission:

Labcorp Genetics (formerly Invitae), Labcorp
Classification: Uncertain significance for Athabaskan severe combined immunodeficiency. Last evaluated: 2021-08-24. Review status: criteria provided, single submitter. Criteria: Invitae Variant Classification Sherloc (09022015). Collection method: clinical testing. Allele origin: germline.
Comment: This sequence change replaces histidine with glutamine at codon 258 of the DCLRE1C protein (p.His258Gln). The histidine residue is highly conserved and there is a small physicochemical difference between histidine and glutamine. This variant is not present in population databases (ExAC no frequency). This variant has not been reported in the literature in individuals affected with DCLRE1C-related conditions. Algorithms developed to predict the effect of missense changes on protein structure and function are either unavailable or do not agree on the potential impact of this missense change (SIFT: "Deleterious"; PolyPhen-2: "Probably Damaging"; Align-GVGD: "Class C0"). In summary, the available evidence is currently insufficient to determine the role of this variant in disease. Therefore, it has been classified as a Variant of Uncertain Significance.